The following is an entry in ClinVar:

NC_000010.10:g.(?_67680088)_(71332799_?)del

Genes: DDX50 (DExD-box helicase 50; plus strand), DNA2 (DNA replication helicase/nuclease 2; minus strand), STOX1 (storkhead box 1; plus strand), SUPV3L1 (Suv3 like RNA helicase; plus strand), HERC4 (HECT and RLD domain containing E3 ubiquitin protein ligase 4; minus strand) and 21 more. Cytogenetic location: 10q21.3-22.1.
Variant type: Deletion.
Identifiers: ClinVar variation 1444876 (VCV001444876.4).

ClinVar aggregate classification (germline): Pathogenic (1 of 4 stars; one submission).

Submission:

Labcorp Genetics (formerly Invitae), Labcorp
Classification: Pathogenic. Last evaluated: 2023-10-13. Review status: criteria provided, single submitter. Criteria: Invitae Variant Classification Sherloc (09022015). Collection method: clinical testing. Allele origin: germline.
Comment: A gross deletion of the genomic region encompassing the full coding sequence of the NEUROG3 gene has been identified. Loss-of-function variants in NEUROG3 are known to be pathogenic (PMID: 2137817, 21490072, 25901096, 28940958, 31805014). The boundaries of this event are unknown as they extend beyond the assayed region for this gene and therefore may encompass additional genes. This variant has not been reported in the literature in individuals affected with NEUROG3-related conditions. For these reasons, this variant has been classified as Pathogenic.

Literature cited by the submitters: PubMed 2137817; PubMed 21490072; PubMed 25901096; PubMed 28940958; PubMed 31805014.